The following is an entry in ClinVar:

NM_205850.3(SLC24A5):c.240C>A (p.Phe80Leu)

Gene: SLC24A5 (solute carrier family 24 member 5; plus strand). Cytogenetic location: 15q21.1.
Variant type: single nucleotide variant.
Coding change: c.240C>A on transcript NM_205850.3 (MANE Select); coding-DNA position 240, C replaced by A.
Protein change: p.Phe80Leu; replaces phenylalanine 80 with leucine.
Molecular consequence: missense variant.
Genome position (GRCh38, 1-based): chr15:48,121,975, C>A. VCF-style: chr15-48121975-C-A. GRCh37 (hg19) VCF-style: chr15-48414172-C-A.
Other names: short protein forms F80L.
Identifiers: ClinVar variation 1399839 (VCV001399839.5), dbSNP rs750899396, ClinGen allele CA7545788.

ClinVar aggregate classification (germline): Uncertain significance (1 of 4 stars; one submission).

Allele frequency attached by ClinVar (database versions not stated): gnomAD exomes below 0.00001; ExAC 0.00001.
gnomAD v4.1: 4 of 1,614,172 alleles (0.00025%); highest among the groups gnomAD compares: Middle Eastern, 0.016%; no homozygotes.

Submission:

Labcorp Genetics (formerly Invitae), Labcorp
Classification: Uncertain significance. Last evaluated: 2022-03-09. Review status: criteria provided, single submitter. Criteria: Invitae Variant Classification Sherloc (09022015). Collection method: clinical testing. Allele origin: germline.
Comment: In summary, the available evidence is currently insufficient to determine the role of this variant in disease. Therefore, it has been classified as a Variant of Uncertain Significance. Algorithms developed to predict the effect of missense changes on protein structure and function output the following: SIFT: "Tolerated"; PolyPhen-2: "Benign"; Align-GVGD: "Class C0". The leucine amino acid residue is found in multiple mammalian species, which suggests that this missense change does not adversely affect protein function. This variant has not been reported in the literature in individuals affected with SLC24A5-related conditions. This variant is not present in population databases (gnomAD no frequency). This sequence change replaces phenylalanine, which is neutral and non-polar, with leucine, which is neutral and non-polar, at codon 80 of the SLC24A5 protein (p.Phe80Leu).